The following is an entry in ClinVar:

ClinVar aggregate classification (germline): Uncertain significance. Review status: criteria provided, multiple submitters, no conflicts (2 of 4 stars). 2 submissions from 2 submitters: Uncertain significance (2). Last evaluated 2026-07-18.

Conditions:
Colorectal cancer, hereditary nonpolyposis, type 7. Identifiers: Orphanet 144, MedGen C1858380, MONDO:0013725, OMIM 614385.

Submissions (2):

Ambry Genetics
Classification: Uncertain significance. Last evaluated: 2026-07-18. Review status: criteria provided, single submitter. Criteria: Ambry Variant Classification Scheme 2023. Collection method: clinical testing. Allele origin: germline.
Comment: The p.S1135N variant (also known as c.3404G>A), located in coding exon 3 of the MLH3 gene, results from a G to A substitution at nucleotide position 3404. The serine at codon 1135 is replaced by asparagine, an amino acid with highly similar properties. This amino acid position is conserved. In addition, this alteration is predicted to be tolerated by in silico analysis. Based on the available evidence, the clinical significance of this variant remains unclear.

Labcorp Genetics (formerly Invitae), Labcorp
Classification: Uncertain significance for Colorectal cancer, hereditary nonpolyposis, type 7. Last evaluated: 2023-06-13. Review status: criteria provided, single submitter. Criteria: Invitae Variant Classification Sherloc (09022015). Collection method: clinical testing. Allele origin: germline.
Comment: This sequence change replaces serine, which is neutral and polar, with asparagine, which is neutral and polar, at codon 1135 of the MLH3 protein (p.Ser1135Asn). In summary, the available evidence is currently insufficient to determine the role of this variant in disease. Therefore, it has been classified as a Variant of Uncertain Significance. Algorithms developed to predict the effect of missense changes on protein structure and function output the following: SIFT: "Not Available"; PolyPhen-2: "Benign"; Align-GVGD: "Not Available". The asparagine amino acid residue is found in multiple mammalian species, which suggests that this missense change does not adversely affect protein function. ClinVar contains an entry for this variant (Variation ID: 1433490). This variant has not been reported in the literature in individuals affected with MLH3-related conditions. This variant is not present in population databases (gnomAD no frequency).

NM_001040108.2(MLH3):c.3404G>A (p.Ser1135Asn)

Gene: MLH3 (mutL homolog 3; minus strand). Cytogenetic location: 14q24.3.
Variant type: single nucleotide variant.
Coding change: c.3404G>A on transcript NM_001040108.2 (MANE Select); coding-DNA position 3404, G replaced by A.
Protein change: p.Ser1135Asn; replaces serine 1135 with asparagine.
Molecular consequence: missense variant.
Genome position (GRCh38, 1-based): chr14:75,041,676, C>T on the plus strand (G>A on the coding strand, the complement: MLH3 is on the minus strand). VCF-style: chr14-75041676-C-T. GRCh37 (hg19) VCF-style: chr14-75508379-C-T.
Other names: c.3404G>A, p.Ser1135Asn (NM_014381.3); c.3404G>A (NM_001040108.1); short protein forms S1135N.
Identifiers: ClinVar variation 1433490 (VCV001433490.9), dbSNP rs1595073793, ClinGen allele CA390431004.